The following is an entry in ClinVar:

NM_001382347.1(MYO5A):c.1713C>T (p.Thr571=)

Gene: MYO5A (myosin VA; minus strand). Cytogenetic location: 15q21.2.
Variant type: single nucleotide variant.
Coding change: c.1713C>T on transcript NM_001382347.1 (MANE Select); coding-DNA position 1713, C replaced by T.
Protein change: p.Thr571=; no amino-acid change (threonine 571 retained).
Molecular consequence: synonymous variant.
Genome position (GRCh38, 1-based): chr15:52,387,868, G>A on the plus strand (C>T on the coding strand, the complement: MYO5A is on the minus strand). VCF-style: chr15-52387868-G-A. GRCh37 (hg19) VCF-style: chr15-52680065-G-A.
Other names: c.1713C>T, p.Thr571= (NM_000259.3, NM_001142495.2, NM_001411135.1); c.1785C>T, p.Thr595= (NM_001382348.1, NM_001382349.1).
Identifiers: ClinVar variation 1694751 (VCV001694751.32), dbSNP rs376265116, ClinGen allele CA7568910.

ClinVar aggregate classification (germline): Likely benign. Review status: criteria provided, single submitter (1 of 4 stars). 2 submissions from 2 submitters: Likely benign (1). 1 of the submissions does not count toward it. Last evaluated 2022-12-01.

Conditions:
MYO5A-related disorder. Also called: MYO5A-related condition.

Allele frequency attached by ClinVar (database versions not stated): gnomAD 0.00004 and 0.00005; gnomAD exomes 0.00005 and 0.00007; ExAC 0.00007; ESP Exome Variant Server 0.00009.
gnomAD v4.1: 79 of 1,612,176 alleles (0.0049%); highest among the groups gnomAD compares: Middle Eastern, 0.5%; 4 homozygotes.

Submissions (2):

CeGaT Center for Human Genetics Tuebingen
Classification: Likely benign. Last evaluated: 2022-12-01. Review status: criteria provided, single submitter. Criteria: CeGaT Center For Human Genetics Tuebingen Variant Classification Criteria Version 2. Collection method: clinical testing. Allele origin: germline. Affected: yes. Observed: 2 variant alleles.
Comment: MYO5A: BP4, BP7

PreventionGenetics, part of Exact Sciences
Classification: Likely benign for MYO5A-related condition. Last evaluated: 2019-04-18. Review status: no assertion criteria provided. Collection method: clinical testing. Allele origin: germline. Not counted in ClinVar's aggregate classification.
Comment: This variant is classified as likely benign based on ACMG/AMP sequence variant interpretation guidelines (Richards et al. 2015 PMID: 25741868, with internal and published modifications).